The following is an entry in ClinVar:

ClinVar aggregate classification (germline): Uncertain significance (1 of 4 stars; one submission).

Conditions:
Growth hormone insensitivity with immune dysregulation 1, autosomal recessive. Also called: GROWTH HORMONE INSENSITIVITY SYNDROME WITH IMMUNE DYSREGULATION 1, AUTOSOMAL RECESSIVE; GROWTH HORMONE INSENSITIVITY DUE TO POSTRECEPTOR DEFECT; LARON SYNDROME DUE TO POSTRECEPTOR DEFECT; Laron syndrome with immunodeficiency. Identifiers: Orphanet 220465, MedGen C5435698, MONDO:0100211, OMIM 245590.

Allele frequency attached by ClinVar (database versions not stated): TOPMed below 0.00001; gnomAD 0.00001.
gnomAD v4.1: 6 of 1,614,068 alleles (0.00037%); highest among the groups gnomAD compares: Non-Finnish European, 0.00051%; no homozygotes.

Submission:

Labcorp Genetics (formerly Invitae), Labcorp
Classification: Uncertain significance for Growth hormone insensitivity with immune dysregulation 1, autosomal recessive. Last evaluated: 2022-10-05. Review status: criteria provided, single submitter. Criteria: Invitae Variant Classification Sherloc (09022015). Collection method: clinical testing. Allele origin: germline.
Comment: This sequence change replaces proline, which is neutral and non-polar, with leucine, which is neutral and non-polar, at codon 367 of the STAT5B protein (p.Pro367Leu). This variant is not present in population databases (gnomAD no frequency). This variant has not been reported in the literature in individuals affected with STAT5B-related conditions. Advanced modeling of protein sequence and biophysical properties (such as structural, functional, and spatial information, amino acid conservation, physicochemical variation, residue mobility, and thermodynamic stability) performed at Invitae indicates that this missense variant is not expected to disrupt STAT5B protein function. In summary, the available evidence is currently insufficient to determine the role of this variant in disease. Therefore, it has been classified as a Variant of Uncertain Significance.

NM_012448.4(STAT5B):c.1100C>T (p.Pro367Leu)

Gene: STAT5B (signal transducer and activator of transcription 5B; minus strand). Cytogenetic location: 17q21.2.
Variant type: single nucleotide variant.
Coding change: c.1100C>T on transcript NM_012448.4 (MANE Select); coding-DNA position 1100, C replaced by T.
Protein change: p.Pro367Leu; replaces proline 367 with leucine.
Molecular consequence: missense variant.
Genome position (GRCh38, 1-based): chr17:42,218,220, G>A on the plus strand (C>T on the coding strand, the complement: STAT5B is on the minus strand). VCF-style: chr17-42218220-G-A. GRCh37 (hg19) VCF-style: chr17-40370238-G-A.
Other names: short protein forms P367L.
Identifiers: ClinVar variation 1902331 (VCV001902331.5), dbSNP rs2080190307, ClinGen allele CA399584947.